The following is an entry in ClinVar:

ClinVar aggregate classification (germline): Uncertain significance (1 of 4 stars; one submission).

Submission:

Labcorp Genetics (formerly Invitae), Labcorp
Classification: Uncertain significance. Last evaluated: 2024-10-07. Review status: criteria provided, single submitter. Criteria: Invitae Variant Classification Sherloc (09022015). Collection method: clinical testing. Allele origin: germline.
Comment: This sequence change replaces aspartic acid, which is acidic and polar, with glutamic acid, which is acidic and polar, at codon 292 of the MAFB protein (p.Asp292Glu). This variant is not present in population databases (gnomAD no frequency). This variant has not been reported in the literature in individuals affected with MAFB-related conditions. Invitae Evidence Modeling of protein sequence and biophysical properties (such as structural, functional, and spatial information, amino acid conservation, physicochemical variation, residue mobility, and thermodynamic stability) indicates that this missense variant is expected to disrupt MAFB protein function with a positive predictive value of 95%. In summary, the available evidence is currently insufficient to determine the role of this variant in disease. Therefore, it has been classified as a Variant of Uncertain Significance.

NM_005461.5(MAFB):c.876C>A (p.Asp292Glu)

Gene: MAFB (MAF bZIP transcription factor B; minus strand). Cytogenetic location: 20q12.
Variant type: single nucleotide variant.
Coding change: c.876C>A on transcript NM_005461.5 (MANE Select); coding-DNA position 876, C replaced by A.
Protein change: p.Asp292Glu; replaces aspartic acid 292 with glutamic acid.
Molecular consequence: missense variant.
Genome position (GRCh38, 1-based): chr20:40,687,975, G>T on the plus strand (C>A on the coding strand, the complement: MAFB is on the minus strand). VCF-style: chr20-40687975-G-T. GRCh37 (hg19) VCF-style: chr20-39316615-G-T.
Other names: short protein forms D292E.
Identifiers: ClinVar variation 3683298 (VCV003683298.2).